The following is an entry in ClinVar:

NM_002474.3(MYH11):c.3293+5C>G

Gene: MYH11 (myosin heavy chain 11; minus strand). Cytogenetic location: 16p13.11.
Variant type: single nucleotide variant.
Coding change: c.3293+5C>G on transcript NM_002474.3 (MANE Select); 5 bases into the intron after coding-DNA position 3293, C replaced by G.
Molecular consequence: intron variant.
Genome position (GRCh38, 1-based): chr16:15,737,444, G>C on the plus strand (C>G on the coding strand, the complement: MYH11 is on the minus strand). VCF-style: chr16-15737444-G-C. GRCh37 (hg19) VCF-style: chr16-15831301-G-C.
Other names: c.3293+5C>G (NM_022844.3); c.3314+5C>G (NM_001040114.2, NM_001040113.2).
Identifiers: ClinVar variation 3074029 (VCV003074029.2), dbSNP rs766421052, ClinGen allele CA493779775.

ClinVar aggregate classification (germline): Uncertain significance. Review status: criteria provided, multiple submitters, no conflicts (2 of 4 stars). 2 submissions from 2 submitters: Uncertain significance (2). Last evaluated 2025-03-03.

Conditions:
Familial thoracic aortic aneurysm and aortic dissection (TAAD). Also called: Thoracic aortic aneurysms and dissections. Identifiers: Orphanet 91387, MedGen C4707243, MONDO:0019625.

gnomAD v4.1: 5 of 1,611,392 alleles (0.00031%); highest among the groups gnomAD compares: Non-Finnish European, 0.00042%; no homozygotes.

Submissions (2):

Color Diagnostics, LLC DBA Color Health
Classification: Uncertain significance for Familial thoracic aortic aneurysm and aortic dissection. Last evaluated: 2025-03-03. Review status: criteria provided, single submitter. Criteria: ACMG Guidelines, 2015. Collection method: clinical testing. Allele origin: germline.
Comment: This variant causes a C to G nucleotide substitution at the +5 position of intron 26 of the MYH11 gene. To our knowledge, functional studies have not been reported for this variant. This variant has not been reported in individuals affected with MYH11-related disorders in the literature. This variant has not been identified in the general population by the Genome Aggregation Database (gnomAD). Clinical relevance of loss-of-function MYH11 truncation variants and splice variants in autosomal dominant cardiovascular disorders is not clearly established. The available evidence is insufficient to determine the role of this variant in disease conclusively. Therefore, this variant is classified as a Variant of Uncertain Significance.

All of Us Research Program, National Institutes of Health
Classification: Uncertain significance for Familial thoracic aortic aneurysm and aortic dissection. Last evaluated: 2023-10-23. Review status: criteria provided, single submitter. Criteria: ACMG Guidelines, 2015. Collection method: clinical testing. Allele origin: germline. Inheritance: Autosomal dominant inheritance. Observed: 1 variant allele, 1 heterozygote.
Comment: This variant causes a C to G nucleotide substitution at the +5 position of intron 26 of the MYH11 gene. To our knowledge, functional studies have not been reported for this variant. This variant has not been reported in individuals affected with MYH11-related disorders in the literature. This variant has not been identified in the general population by the Genome Aggregation Database (gnomAD). Clinical relevance of loss-of-function MYH11 truncation variants and splice variants in autosomal dominant cardiovascular disorders is not clearly established. The available evidence is insufficient to determine the role of this variant in disease conclusively. Therefore, this variant is classified as a Variant of Uncertain Significance.

This study involves interpretation of variants in research participants for the purpose of population health screening. Participant phenotype was not available at the time of variant classification. Additional details can be found in publication PMID: 35346344, PMCID: PMC8962531